The following is an entry in ClinVar:

NM_000937.5(POLR2A):c.383A>C (p.Asp128Ala)

Gene: POLR2A (RNA polymerase II subunit A; plus strand). Cytogenetic location: 17p13.1.
Variant type: single nucleotide variant.
Coding change: c.383A>C on transcript NM_000937.5 (MANE Select); coding-DNA position 383, A replaced by C.
Protein change: p.Asp128Ala; replaces aspartic acid 128 with alanine.
Molecular consequence: missense variant.
Genome position (GRCh38, 1-based): chr17:7,496,459, A>C. VCF-style: chr17-7496459-A-C. GRCh37 (hg19) VCF-style: chr17-7399778-A-C.
Other names: short protein forms D128A.
Identifiers: ClinVar variation 2582186 (VCV002582186.1), dbSNP rs2508104663, ClinGen allele CA397858254.

ClinVar aggregate classification (germline): Uncertain significance (1 of 4 stars; one submission).

Submission:

GeneDx
Classification: Uncertain significance. Last evaluated: 2023-03-31. Review status: criteria provided, single submitter. Criteria: GeneDx Variant Classification Process June 2021. Collection method: clinical testing. Allele origin: germline. Affected: yes.
Comment: Not observed at significant frequency in large population cohorts (gnomAD); In silico analysis supports that this missense variant has a deleterious effect on protein structure/function; Has not been previously published as pathogenic or benign to our knowledge